The following is an entry in ClinVar:

ClinVar aggregate classification (germline): Uncertain significance/VUS-high. Review status: criteria provided, multiple submitters, no conflicts (2 of 4 stars). 2 submissions from 2 submitters: Uncertain significance (1); VUS-high (1). Last evaluated 2026-01-05.

Conditions:
Neurodegeneration, childhood-onset, with progressive microcephaly (CONPM). Identifiers: MedGen C5676972, MONDO:0859241, OMIM 619847.

Submissions (2):

Center for Human Genetics and Genomic Medicine, Uniklinik Rwth Aachen
Classification: VUS-high for Neurodegeneration, childhood-onset, with progressive microcephaly. Last evaluated: 2026-01-05. Review status: criteria provided, single submitter. Criteria: ACMG Guidelines, 2015. Collection method: clinical testing. Allele origin: biparental, inherited. Inheritance: Autosomal recessive inheritance. Affected: yes and no. Observed: 5 variant alleles, 3 heterozygotes, 2 homozygotes. Clinical features observed: Intellectual disability (HP:0001249), Absent speech (HP:0001344), Microcephaly (HP:0000252), Short stature (HP:0004322), Motor regression (HP:0033044), Stereotypic whole-body movements (HP:5200019), Reduced social responsiveness (HP:0012760).
Comment: The variant has not been reported in the literature to date. In the ClinVar database, it has been submitted once as a variant of uncertain clinical significance in heterozygosity (VCV003065236.1 on 04.02.2026). In the general population (gnomAD v4.1.0), it is currently observed at a very low frequency and never in the homozygosity (PM2_sup). The variant is located in exon 3 of transcript NM_001320904.2. Exon 3 is included only in this transcript, which shows minimal expression in adult human tissues (accessed on January 6th 2026). In the other transcripts, including the MANE transcript NM_012145.4, the variant is located deep within an intron, which by itself does not exclude a potential functional relevance.

Genomic Medicine Center of Excellence, King Faisal Specialist Hospital and Research Centre
Classification: Uncertain significance for Neurodegeneration, childhood-onset, with progressive microcephaly. Last evaluated: 2024-03-26. Review status: criteria provided, single submitter. Criteria: ACMG Guidelines, 2015. Collection method: clinical testing. Allele origin: germline.

NM_012145.4(DTYMK):c.239+1045_239+1050del

Gene: DTYMK (deoxythymidylate kinase; minus strand). Cytogenetic location: 2q37.3.
Variant type: Deletion.
Coding change: c.239+1045_239+1050del on transcript NM_012145.4 (MANE Select); bases 1045 to 1050 of the intron after coding-DNA position 239, 6 bases deleted (AATGTT; older notation c.239+1045_239+1050delAATGTT).
Molecular consequence: intron variant. On other transcripts: inframe deletion (1).
Genome position (GRCh38, 1-based): chr2:241,684,719-241,684,724, AACATT deleted on the plus strand (AATGTT on the coding strand, the reverse complement: DTYMK is on the minus strand); deleting any 6 consecutive bases within chr2:241,684,719-241,684,726 gives the same sequence; the c. name uses the placement nearest the transcript's 3' end. VCF-style (leftmost placement, unchanged base first): chr2-241684718-CAACATT-C. GRCh37 (hg19) VCF-style: chr2-242624133-CAACATT-C.
Other names: c.265_270del, p.Asn89_Val90del (NM_001320904.2); c.201+1083_201+1088del (NM_001320902.2); c.239+1045_239+1050del (NM_001320903.2, NM_001165031.2, NM_001320905.2).
Identifiers: ClinVar variation 3065236 (VCV003065236.2), dbSNP rs1052974532, ClinGen allele CA68611665.
Genomic context (GRCh38, chr2:241,684,718, plus strand): 5'-ACTATAGTAGTTTCTACATATGTATATAAATGTAAATAAAAACATTGAAAGAACACACAT[CAACATT>C]AAGTGTTGAATGAAGAGGAAACCTACTACAATGATGTAAAACAAAAAAAGGTGGTAGGAG-3'